The following is an entry in ClinVar:

ClinVar aggregate classification (germline): Uncertain significance (1 of 4 stars; one submission).

gnomAD v4.1: 9 of 1,613,938 alleles (0.00056%); highest among the groups gnomAD compares: African/African-American, 0.0013%; no homozygotes.

Submission:

Labcorp Genetics (formerly Invitae), Labcorp
Classification: Uncertain significance. Last evaluated: 2023-12-12. Review status: criteria provided, single submitter. Criteria: Invitae Variant Classification Sherloc (09022015). Collection method: clinical testing. Allele origin: germline.
Comment: This sequence change replaces isoleucine, which is neutral and non-polar, with valine, which is neutral and non-polar, at codon 744 of the GSN protein (p.Ile744Val). This variant is not present in population databases (gnomAD no frequency). This variant has not been reported in the literature in individuals affected with GSN-related conditions. Advanced modeling of protein sequence and biophysical properties (such as structural, functional, and spatial information, amino acid conservation, physicochemical variation, residue mobility, and thermodynamic stability) performed at Invitae indicates that this missense variant is not expected to disrupt GSN protein function with a negative predictive value of 80%. In summary, the available evidence is currently insufficient to determine the role of this variant in disease. Therefore, it has been classified as a Variant of Uncertain Significance.

NM_198252.3(GSN):c.2077A>G (p.Ile693Val)

Gene: GSN (gelsolin; plus strand). Cytogenetic location: 9q33.2.
Variant type: single nucleotide variant.
Coding change: c.2077A>G on transcript NM_198252.3 (MANE Select); coding-DNA position 2077, A replaced by G.
Protein change: p.Ile693Val; replaces isoleucine 693 with valine.
Molecular consequence: missense variant.
Genome position (GRCh38, 1-based): chr9:121,332,484, A>G. VCF-style: chr9-121332484-A-G. GRCh37 (hg19) VCF-style: chr9-124094762-A-G.
Other names: c.2110A>G, p.Ile704Val (NM_001353068.2, NM_001353069.2, NM_001353070.2 and 13 more transcripts); c.2230A>G, p.Ile744Val (NM_000177.5); c.2077A>G, p.Ile693Val (NM_001127662.2, NM_001127664.2, NM_001127665.2 and 10 more transcripts); c.2185A>G, p.Ile729Val (NM_001127663.2); c.2128A>G, p.Ile710Val (NM_001258029.2); c.2149A>G, p.Ile717Val (NM_001353076.2); c.1423A>G, p.Ile475Val (NM_001353078.2); c.2101A>G, p.Ile701Val (NM_001258030.2); short protein forms I701V, I710V, I717V, I475V, I693V, I704V, I729V, I744V.
Identifiers: ClinVar variation 2874119 (VCV002874119.3), dbSNP rs1334747086, ClinGen allele CA374760430.